The following is an entry in ClinVar:

NM_175875.5(SIX5):c.29C>T (p.Ala10Val)

Genes: DM1-AS (DM1 locus antisense RNA; plus strand), SIX5 (SIX homeobox 5; minus strand), LOC107075317 (origin of replication in DMPK trinucleotide repeat region; plus strand). Cytogenetic location: 19q13.32.
Variant type: single nucleotide variant.
Coding change: c.29C>T on transcript NM_175875.5 (MANE Select); coding-DNA position 29, C replaced by T.
Protein change: p.Ala10Val; replaces alanine 10 with valine.
Molecular consequence: missense variant.
Genome position (GRCh38, 1-based): chr19:45,768,816, G>A on the plus strand (C>T on the coding strand, the complement: SIX5 is on the minus strand). VCF-style: chr19-45768816-G-A. GRCh37 (hg19) VCF-style: chr19-46272074-G-A.
Other names: short protein forms A10V.
Identifiers: ClinVar variation 3727778 (VCV003727778.2).
Genomic context (GRCh38, chr19:45,768,816, plus strand): 5'-TCCTCCTCCTCTTCGGTCGCCGCCGCCGCCGCCACCGCCTCCCCCCCAGCCGCCGGCCCC[G>A]CGCTCGGCTCCGCAGGCAAGGTAGCCATGTTTTGCAACTTTGGGAAGTTCCTCCCTCCCT-3'
Protein context (NP_787071.3, residues 1-20): MATLPAEPS[Ala10Val]GPAAGGEAVA

ClinVar aggregate classification (germline): Uncertain significance (1 of 4 stars; one submission).

gnomAD v4.1: 1 of 1,524,876 alleles (0.000066%); highest among the groups gnomAD compares: South Asian, 0.0012%; no homozygotes.

Submission:

Labcorp Genetics (formerly Invitae), Labcorp
Classification: Uncertain significance. Last evaluated: 2025-01-12. Review status: criteria provided, single submitter. Criteria: Invitae Variant Classification Sherloc (09022015). Collection method: clinical testing. Allele origin: germline.
Comment: This sequence change replaces alanine, which is neutral and non-polar, with valine, which is neutral and non-polar, at codon 10 of the SIX5 protein (p.Ala10Val). This variant is not present in population databases (gnomAD no frequency). This variant has not been reported in the literature in individuals affected with SIX5-related conditions. An algorithm developed to predict the effect of missense changes on protein structure and function outputs the following: PolyPhen-2: "Not Available". The valine amino acid residue is found in multiple mammalian species, which suggests that this missense change does not adversely affect protein function. In summary, the available evidence is currently insufficient to determine the role of this variant in disease. Therefore, it has been classified as a Variant of Uncertain Significance.